The following is an entry in ClinVar:

ClinVar aggregate classification (germline): Uncertain significance (1 of 4 stars; one submission).

Conditions:
Deficiency of malonyl-CoA decarboxylase. Also called: Malonic aciduria; MCD deficiency. Identifiers: Orphanet 943, MedGen C0342793, MONDO:0009556, OMIM 248360.

Submission:

Labcorp Genetics (formerly Invitae), Labcorp
Classification: Uncertain significance for Deficiency of malonyl-CoA decarboxylase. Last evaluated: 2022-08-22. Review status: criteria provided, single submitter. Criteria: Invitae Variant Classification Sherloc (09022015). Collection method: clinical testing. Allele origin: germline.
Comment: In summary, the available evidence is currently insufficient to determine the role of this variant in disease. Therefore, it has been classified as a Variant of Uncertain Significance. Algorithms developed to predict the effect of missense changes on protein structure and function are either unavailable or do not agree on the potential impact of this missense change (SIFT: "Deleterious"; PolyPhen-2: "Benign"; Align-GVGD: "Class C0"). ClinVar contains an entry for this variant (Variation ID: 1497897). This variant has not been reported in the literature in individuals affected with MLYCD-related conditions. This variant is not present in population databases (gnomAD no frequency). This sequence change replaces glycine, which is neutral and non-polar, with valine, which is neutral and non-polar, at codon 369 of the MLYCD protein (p.Gly369Val).

NM_012213.3(MLYCD):c.1106G>T (p.Gly369Val)

Gene: MLYCD (malonyl-CoA decarboxylase; plus strand). Cytogenetic location: 16q23.3.
Variant type: single nucleotide variant.
Coding change: c.1106G>T on transcript NM_012213.3 (MANE Select); coding-DNA position 1106, G replaced by T.
Protein change: p.Gly369Val; replaces glycine 369 with valine.
Molecular consequence: missense variant.
Genome position (GRCh38, 1-based): chr16:83,915,113, G>T. VCF-style: chr16-83915113-G-T. GRCh37 (hg19) VCF-style: chr16-83948718-G-T.
Other names: short protein forms G369V.
Identifiers: ClinVar variation 1497897 (VCV001497897.8), dbSNP rs2151060022, ClinGen allele CA396920055.